The following is an entry in ClinVar:

ClinVar aggregate classification (germline): Conflicting classifications of pathogenicity. Review status: criteria provided, conflicting classifications (1 of 4 stars). 2 submissions from 2 submitters: Uncertain significance (1); Likely benign (1). Last evaluated 2023-06-01.

Conditions:
Mitochondrial complex III deficiency nuclear type 2. Identifiers: MedGen C3554605, MONDO:0014063, OMIM 615157.

Allele frequency attached by ClinVar (database versions not stated): gnomAD exomes 0.00673 and 0.00792; gnomAD 0.00725 and 0.00754; ExAC 0.00781; 1000 Genomes Project 0.00499; 1000 Genomes Project 30x 0.00562; TOPMed 0.00589.
gnomAD v4.1: 3,676 of 474,376 alleles (0.77%); highest among the groups gnomAD compares: Non-Finnish European, 1%; 31 homozygotes.

Submissions (2):

CeGaT Center for Human Genetics Tuebingen
Classification: Likely benign. Last evaluated: 2023-06-01. Review status: criteria provided, single submitter. Criteria: CeGaT Center For Human Genetics Tuebingen Variant Classification Criteria Version 2. Collection method: clinical testing. Allele origin: germline. Affected: yes. Observed: 6 variant alleles.
Comment: TTC19: BS2

Illumina Laboratory Services, Illumina
Classification: Uncertain significance for Mitochondrial complex III deficiency nuclear type 2. Last evaluated: 2018-01-13. Review status: criteria provided, single submitter. Criteria: ICSL Variant Classification Criteria 13 December 2019. Collection method: clinical testing. Allele origin: germline.

NM_017775.4(TTC19):c.*335C>T

Gene: TTC19 (tetratricopeptide repeat domain 19; plus strand). Cytogenetic location: 17p12.
Variant type: single nucleotide variant.
Coding change: c.*335C>T on transcript NM_017775.4 (MANE Select); 335 bases downstream of the stop codon, C replaced by T.
Molecular consequence: 3 prime UTR variant.
Genome position (GRCh38, 1-based): chr17:16,027,857, C>T. VCF-style: chr17-16027857-C-T. GRCh37 (hg19) VCF-style: chr17-15931171-C-T.
Other names: c.*335C>T (NM_001271420.2).
Identifiers: ClinVar variation 321955 (VCV000321955.34), dbSNP rs117087989, ClinGen allele CA8407655.
Genomic context (GRCh38, chr17:16,027,857, plus strand): 5'-AGTAGAACTGTAGATTCATATGGGCTGGTGTTCCTGTGCGCTGTGGGTGTGGTGATTCAG[C>T]CTGGCATTTCTACCATAAGTTTTTGGTCTGCTGATTTGCTGCCCTGTCTTCTCTTACTTT-3'